The following is an entry in ClinVar:

NM_000352.6(ABCC8):c.580A>T (p.Arg194Ter)

Gene: ABCC8 (ATP binding cassette subfamily C member 8; minus strand). Cytogenetic location: 11p15.1.
Variant type: single nucleotide variant.
Coding change: c.580A>T on transcript NM_000352.6 (MANE Select); coding-DNA position 580, A replaced by T.
Protein change: p.Arg194Ter; replaces arginine 194 with a stop codon.
Molecular consequence: nonsense. On other transcripts: non-coding transcript variant (1).
Genome position (GRCh38, 1-based): chr11:17,461,825, T>A on the plus strand (A>T on the coding strand, the complement: ABCC8 is on the minus strand). VCF-style: chr11-17461825-T-A. GRCh37 (hg19) VCF-style: chr11-17483372-T-A.
Other names: c.580A>T, p.Arg194Ter (NM_001287174.3, NM_001351295.2, NM_001351296.2 and 1 more transcripts); short protein forms R194*.
Identifiers: ClinVar variation 2678521 (VCV002678521.2), dbSNP rs2496854886, ClinGen allele CA379779518.

ClinVar aggregate classification (germline): Pathogenic/Likely pathogenic. Review status: criteria provided, multiple submitters, no conflicts (2 of 4 stars). 2 submissions from 2 submitters: Pathogenic (1); Likely pathogenic (1). Last evaluated 2024-03-26.

Conditions:
Type 2 diabetes mellitus. Also called: Type II diabetes mellitus. Identifiers: MedGen C0011860, MeSH D003924, MONDO:0005148, OMIM 125853, HP:0005978.
Hyperinsulinemic hypoglycemia, familial, 1 (HHF1). Also called: HYPERINSULINISM, FAMILIAL, WITH PANCREATIC NESIDIOBLASTOSIS; HYPOGLYCEMIA, HYPERINSULINEMIC, OF INFANCY; NESIDIOBLASTOSIS OF PANCREAS; Persistent hyperinsulinemic hypoglycemia of infancy; Persistent Hyperinsulinemia Hypoglycemia of Infancy. Identifiers: Orphanet 276575, Orphanet 276598, MedGen C2931832, MONDO:0009734, OMIM 256450.

Submissions (2):

Myriad Genetics, Inc.
Classification: Pathogenic for Hyperinsulinemic hypoglycemia, familial, 1. Last evaluated: 2024-03-26. Review status: criteria provided, single submitter. Criteria: Myriad Autosomal Dominant, Autosomal Recessive and X-Linked Classification Criteria (2023). Collection method: clinical testing. Allele origin: unknown.
Comment: NM_000352.3(ABCC8):c.580A>T(R194*) is expected to be pathogenic in the context of familial hyperinsulinism, ABCC8-related. This variant is predicted to lead to an abnormal or absent protein product due to the creation of a premature termination codon in ABCC8, a gene where loss-of-function variants are known to be pathogenic. Please note: this variant was assessed in the context of healthy population screening.

Baylor Genetics
Classification: Likely pathogenic for Type 2 diabetes mellitus. Last evaluated: 2022-12-18. Review status: criteria provided, single submitter. Criteria: ACMG Guidelines, 2015. Collection method: clinical testing. Allele origin: unknown.